The following is an entry in ClinVar:

ClinVar aggregate classification (germline): Benign. Review status: criteria provided, multiple submitters, no conflicts (2 of 4 stars). 3 submissions from 3 submitters: Benign (3). Last evaluated 2018-06-27.

Conditions:
Galactosylceramide beta-galactosidase deficiency. Also called: GALACTOCEREBROSIDASE DEFICIENCY; GALC DEFICIENCY; GLOBOID CELL LEUKOENCEPHALOPATHY; Krabbe Disease; Leukodystrophy, Globoid Cell. Identifiers: Orphanet 487, MedGen C0023521, MONDO:0009499, OMIM 245200.

Allele frequency attached by ClinVar (database versions not stated): 1000 Genomes Project 0.44748; 1000 Genomes Project 30x 0.45269; gnomAD exomes 0.46353; TOPMed 0.48879; gnomAD 0.49276 and 0.49976.
gnomAD v4.1: 697,588 of 1,496,608 alleles (47%); highest among the groups gnomAD compares: African/African-American, 61%; 166,121 homozygotes.

Submissions (3):

Blueprint Genetics
Classification: Benign. Last evaluated: 2018-06-27. Review status: criteria provided, single submitter. Criteria: ACMG Guidelines, 2015. Collection method: clinical testing. Allele origin: germline.

Illumina Laboratory Services, Illumina
Classification: Benign for Galactosylceramide beta-galactosidase deficiency. Last evaluated: 2018-01-13. Review status: criteria provided, single submitter. Criteria: ICSL Variant Classification Criteria 13 December 2019. Collection method: clinical testing. Allele origin: germline.
Comment: This variant was observed in the ICSL laboratory as part of a predisposition screen in an ostensibly healthy population. It had not been previously curated by ICSL or reported in the Human Gene Mutation Database (HGMD: prior to June 1st, 2018), and was therefore a candidate for classification through an automated scoring system. Utilizing variant allele frequency, disease prevalence and penetrance estimates, and inheritance mode, an automated score was calculated to assess if this variant is too frequent to cause the disease. Based on the score and internal cut-off values, a variant classified as benign is not then subjected to further curation. The score for this variant resulted in a classification of benign for this disease.

Breakthrough Genomics
Classification: Benign. Review status: criteria provided, single submitter. Criteria: ACMG Guidelines, 2015. Collection method: not provided. Allele origin: germline. Inheritance: Autosomal recessive inheritance. Affected: yes.

NM_000153.4(GALC):c.*626C>T

Gene: GALC (galactosylceramidase; minus strand). Cytogenetic location: 14q31.3.
Variant type: single nucleotide variant.
Coding change: c.*626C>T on transcript NM_000153.4 (MANE Select); 626 bases downstream of the stop codon, C replaced by T.
Molecular consequence: 3 prime UTR variant.
Genome position (GRCh38, 1-based): chr14:87,934,106, G>A on the plus strand (C>T on the coding strand, the complement: GALC is on the minus strand). VCF-style: chr14-87934106-G-A. GRCh37 (hg19) VCF-style: chr14-88400450-G-A.
Other names: c.*626C>T (NM_001201401.2, NM_001201402.2).
Identifiers: ClinVar variation 314739 (VCV000314739.7), dbSNP rs432946, ClinGen allele CA10641196.